The following is an entry in ClinVar:

ClinVar aggregate classification (germline): Pathogenic. Review status: reviewed by expert panel (3 of 4 stars). 5 submissions from 5 submitters: Pathogenic (1). 4 of the submissions do not count toward it. Last evaluated 2016-09-08.

Conditions:
Hereditary cancer-predisposing syndrome. Also called: Neoplastic Syndromes, Hereditary; Hereditary neoplastic syndrome; Hereditary Cancer Syndrome; Tumor predisposition. Identifiers: Orphanet 140162, MedGen C0027672, MeSH D009386, MONDO:0015356.
Hereditary breast ovarian cancer syndrome. Also called: Breast and ovarian cancer; Hereditary breast and ovarian cancer syndrome; BRCA1- and BRCA2-Associated Hereditary Breast and Ovarian Cancer; Hereditary breast and ovarian cancer; Hereditary breast and ovarian cancer syndrome (HBOC); Hereditary breast and/or ovarian cancer syndrome. Identifiers: Orphanet 145, MedGen C0677776, MeSH D061325, MONDO:0003582. Disease mechanism: loss of function.
BRCA2-related cancer predisposition. Identifiers: MedGen CN377758, MONDO:0700269.
Breast-ovarian cancer, familial, susceptibility to, 2 (BROVCA2). Also called: BRCA2 Hereditary Breast and Ovarian Cancer. Identifiers: Orphanet 145, MedGen C2675520, MONDO:0012933, OMIM 612555. Disease mechanism: loss of function.

Submissions (5):

Evidence-based Network for the Interpretation of Germline Mutant Alleles (ENIGMA)
Classification: Pathogenic for Breast-ovarian cancer, familial, susceptibility to, 2. Last evaluated: 2016-09-08. Review status: reviewed by expert panel. Criteria: ENIGMA BRCA1/2 Classification Criteria (2015). Collection method: curation. Allele origin: germline.
Comment: Variant allele predicted to encode a truncated non-functional protein.

Ambry Genetics
Classification: Pathogenic for Hereditary cancer-predisposing syndrome. Last evaluated: 2025-04-13. Review status: criteria provided, single submitter. Criteria: Ambry Variant Classification Scheme 2023. Collection method: clinical testing. Allele origin: germline. Not counted in ClinVar's aggregate classification.
Comment: The c.3774_3775delAA pathogenic mutation, located in coding exon 10 of the BRCA2 gene, results from a deletion of two nucleotides at nucleotide positions 3774 to 3775, causing a translational frameshift with a predicted alternate stop codon (p.I1258Mfs*6). This variant is considered to be rare based on population cohorts in the Genome Aggregation Database (gnomAD). This alteration is expected to result in loss of function by premature protein truncation or nonsense-mediated mRNA decay. As such, this alteration is interpreted as a disease-causing mutation.

Labcorp Genetics (formerly Invitae), Labcorp
Classification: Pathogenic for Hereditary breast ovarian cancer syndrome. Last evaluated: 2020-01-02. Review status: criteria provided, single submitter. Criteria: Invitae Variant Classification Sherloc (09022015). Collection method: clinical testing. Allele origin: germline. Not counted in ClinVar's aggregate classification.
Comment: This sequence change creates a premature translational stop signal (p.Ile1258Metfs*6) in the BRCA2 gene. It is expected to result in an absent or disrupted protein product. This variant is not present in population databases (ExAC no frequency). For these reasons, this variant has been classified as Pathogenic. Loss-of-function variants in BRCA2 are known to be pathogenic (PMID: 20104584). This variant has been reported in individuals in the Leiden Open-source Variation Database (PMID: 21520333). ClinVar contains an entry for this variant (Variation ID: 254524).

University Health Network, Familial Cancer Clinic, Princess Margaret Cancer Centre
Classification: Pathogenic for BRCA2-related cancer predisposition. Review status: criteria provided, single submitter. Criteria: ACMG Guidelines, 2015. Collection method: clinical testing. Allele origin: germline. Inheritance: Autosomal dominant inheritance. Affected: no. Observed: 1 variant allele. Not counted in ClinVar's aggregate classification.

Counsyl
Classification: Likely pathogenic for Breast-ovarian cancer, familial, susceptibility to, 2. Last evaluated: 2017-10-17. Review status: no assertion criteria provided. Collection method: clinical testing. Allele origin: unknown. Not counted in ClinVar's aggregate classification.

Literature cited by the submitters: PubMed 20104584 (cited by Labcorp Genetics (formerly Invitae), Labcorp); PubMed 21520333 (cited by Labcorp Genetics (formerly Invitae), Labcorp).

NM_000059.4(BRCA2):c.3774_3775del (p.Ile1258fs)

Gene: BRCA2 (BRCA2 DNA repair associated; plus strand). Cytogenetic location: 13q13.1.
Variant type: Deletion.
Coding change: c.3774_3775del on transcript NM_000059.4 (MANE Select); coding-DNA positions 3774 to 3775, 2 bases deleted (AA; older notation c.3774_3775delAA).
Protein change: p.Ile1258fs; shifts the reading frame from isoleucine 1258.
Molecular consequence: frameshift variant.
Genome position (GRCh38, 1-based): chr13:32,338,129-32,338,130, AA deleted. VCF-style (leftmost placement, unchanged base first): chr13-32338128-TAA-T. GRCh37 (hg19) VCF-style: chr13-32912265-TAA-T.
Other names: c.3774_3775delAA (NM_000059.3); short protein forms I1258fs.
Identifiers: ClinVar variation 254524 (VCV000254524.18), dbSNP rs886038094, ClinGen allele CA10586515.